The following is an entry in ClinVar:

ClinVar aggregate classification (germline): Likely pathogenic (1 of 4 stars; one submission).

Conditions:
Ehlers-Danlos syndrome, classic-like, 2. Identifiers: Orphanet 536532, MedGen C4693870, MONDO:0054813, OMIM 618000.

gnomAD v4.1: 16 of 1,614,056 alleles (0.00099%); highest among the groups gnomAD compares: Non-Finnish European, 0.0014%; no homozygotes.

Submission:

Variantyx, Inc.
Classification: Likely pathogenic for Ehlers-Danlos syndrome, classic-like, 2. Last evaluated: 2025-03-26. Review status: criteria provided, single submitter. Criteria: Variantyx Assertion Criteria 2022. Collection method: clinical testing. Allele origin: maternal.
Comment: This is a nonsense variant in the AEBP1 gene (OMIM: 602981). Pathogenic variants in this gene have been associated with autosomal recessive Ehlers-Danlos syndrome classic like 2. This variant introduces a premature termination codon in exon 19 out of 21. It is expected to result in loss of function, which is a known disease mechanism for AEBP1 in this disorder (PMID: 29606302) (PVS1). This variant has a 0.0014% maximum allele frequency in non-founder control populations (PM2_Supporting). This variant has not been reported in individuals with AEBP1-related disorders in the databases available for review. Based on the current evidence, this variant is classified as likely pathogenic for autosomal recessive Ehlers-Danlos syndrome classic like 2.

NM_001129.5(AEBP1):c.2683G>T (p.Glu895Ter)

Gene: AEBP1 (AE binding protein 1; plus strand). Cytogenetic location: 7p13.
Variant type: single nucleotide variant.
Coding change: c.2683G>T on transcript NM_001129.5 (MANE Select); coding-DNA position 2683, G replaced by T.
Protein change: p.Glu895Ter; replaces glutamic acid 895 with a stop codon.
Molecular consequence: nonsense.
Genome position (GRCh38, 1-based): chr7:44,113,104, G>T. VCF-style: chr7-44113104-G-T. GRCh37 (hg19) VCF-style: chr7-44152703-G-T.
Other names: short protein forms E895*.
Identifiers: ClinVar variation 4759261 (VCV004759261.1).